The following is an entry in ClinVar:

NM_001388453.1(QRICH2):c.969C>T (p.Gly323=)

Gene: QRICH2 (glutamine rich 2; minus strand). Cytogenetic location: 17q25.1.
Variant type: single nucleotide variant.
Coding change: c.969C>T on transcript NM_001388453.1 (MANE Select); coding-DNA position 969, C replaced by T.
Protein change: p.Gly323=; no amino-acid change (glycine 323 retained).
Molecular consequence: synonymous variant.
Genome position (GRCh38, 1-based): chr17:76,293,758, G>A on the plus strand (C>T on the coding strand, the complement: QRICH2 is on the minus strand). VCF-style: chr17-76293758-G-A. GRCh37 (hg19) VCF-style: chr17-74289839-G-A.
Other names: c.969C>T, p.Gly323= (NM_032134.3).
Identifiers: ClinVar variation 3060896 (VCV003060896.2), dbSNP rs6501881, ClinGen allele CA8784383.
Genomic context (GRCh38, chr17:76,293,758, plus strand): 5'-CCTGTGACGATCTGAGTCTGATTTGAATTGGAATGTAGAAGACTGATGGAGTCGTGGCAC[G>A]CCAGCTTCATCACGGGCCCTCGGCTGCTGCTGTCTCCCAGTACCAGAGGGGACCTTGCTT-3'
Protein context (NP_001375382.1, residues 313-333): QQQPRARDEA[Gly323=]VPRLHQSSTF

ClinVar aggregate classification (germline): Benign (0 of 4 stars; one submission).

Conditions:
QRICH2-related disorder. Also called: QRICH2-related condition.

Allele frequency attached by ClinVar (database versions not stated): gnomAD exomes 0.30879; ExAC 0.34838; gnomAD 0.40541; ESP Exome Variant Server 0.41604; TOPMed 0.42352; 1000 Genomes Project 0.46945; 1000 Genomes Project 30x 0.47096.
gnomAD v4.1: 514,244 of 1,613,308 alleles (32%); highest among the groups gnomAD compares: African/African-American, 66%; 89,744 homozygotes.

Submission:

PreventionGenetics, part of Exact Sciences
Classification: Benign for QRICH2-related condition. Last evaluated: 2019-10-18. Review status: no assertion criteria provided. Collection method: clinical testing. Allele origin: germline.
Comment: This variant is classified as benign based on ACMG/AMP sequence variant interpretation guidelines (Richards et al. 2015 PMID: 25741868, with internal and published modifications).